The following is an entry in ClinVar:

ClinVar aggregate classification (germline): Conflicting classifications of pathogenicity. Review status: criteria provided, conflicting classifications (1 of 4 stars). 6 submissions from 6 submitters: Likely pathogenic (1); Uncertain significance (5). Last evaluated 2026-10-05.

Conditions:
Beck-Fahrner syndrome (BEFAHRS). Identifiers: Orphanet 684216, MedGen C5394097, MONDO:0032922, OMIM 618798.

Submissions (6):

GeneDx
Classification: Uncertain significance. Last evaluated: 2026-10-05. Review status: criteria provided, single submitter. Criteria: GeneDx Variant Classification Process June 2021. Collection method: clinical testing. Allele origin: germline.
Comment: Not observed at significant frequency in large population cohorts (gnomAD); In silico analysis supports that this missense variant has a deleterious effect on protein structure/function; Has not been previously published as pathogenic or benign to our knowledge

CeGaT Center for Human Genetics Tuebingen
Classification: Likely pathogenic. Last evaluated: 2026-03-01. Review status: criteria provided, single submitter. Criteria: CeGaT Center For Human Genetics Tuebingen Variant Classification Criteria Version 2. Collection method: clinical testing. Allele origin: germline. Affected: yes. Observed: 1 variant allele.
Comment: TET3: PM1, PM2, PM5, PS2:Supporting

Blueprint Genetics
Classification: Uncertain significance. Last evaluated: 2024-02-22. Review status: criteria provided, single submitter. Criteria: ACMG Guidelines, 2015. Collection method: clinical testing. Allele origin: germline.

Institute of Human Genetics, University of Leipzig Medical Center
Classification: Uncertain significance for Beck-Fahrner syndrome. Last evaluated: 2023-01-26. Review status: criteria provided, single submitter. Criteria: ACMG Guidelines, 2015. Collection method: clinical testing. Allele origin: unknown. Affected: yes.
Comment: _x000D_ Criteria applied: PM1, PM2_SUP, PP3

Pittsburgh Clinical Genomics Laboratory, University of Pittsburgh Medical Center
Classification: Uncertain significance for Beck-Fahrner syndrome. Last evaluated: 2022-10-12. Review status: criteria provided, single submitter. Criteria: ACMG Guidelines, 2015. Collection method: clinical testing. Allele origin: germline. Inheritance: Autosomal unknown. Affected: yes.
Comment: This sequence variant is a single nucleotide substitution (C>T) at coding position 5047 in the TET3 gene which results in an arginine to cysteine amino acid change at residue 1683 in the TET3 protein. This is a novel variant which has not been reported in clinical genetics databases or observed in the medical literature in individuals with TET3-related disease, to our knowledge. This variant is absent from the gnomAD control population dataset (0/~274000 alleles). Multiple bioinformatic tools predict that this protein change is likely to be damaging, and arginine is highly conserved at this protein position in vertebrates. Functiol studies testing the effects of this variant have not been performed, to our knowledge. At this time, there is insufficient evidence to determine if this variant is pathogenic or benign. Therefore, we consider it to be a variant of uncertain significance. ACMG Criteria: PM2, PP3

Juno Genomics, Hangzhou Juno Genomics, Inc
Classification: Uncertain significance for Beck-Fahrner syndrome. Review status: criteria provided, single submitter. Criteria: ACMG Guidelines, 2015. Collection method: clinical testing. Allele origin: germline.
Comment: Absent from controls (or at extremely low frequency if recessive) in Genome Aggregation Database.;Missense variant in a gene that has a low rate of benign missense variation.;Multiple lines of computational evidence suggest no impact on gene or gene product.

NM_001287491.2(TET3):c.5047C>T (p.Arg1683Cys)

Gene: TET3 (tet methylcytosine dioxygenase 3; plus strand). Cytogenetic location: 2p13.1.
Variant type: single nucleotide variant.
Coding change: c.5047C>T on transcript NM_001287491.2 (MANE Select); coding-DNA position 5047, C replaced by T.
Protein change: p.Arg1683Cys; replaces arginine 1683 with cysteine.
Molecular consequence: missense variant.
Genome position (GRCh38, 1-based): chr2:74,101,835, C>T. VCF-style: chr2-74101835-C-T. GRCh37 (hg19) VCF-style: chr2-74328962-C-T.
Other names: c.4768C>T, p.Arg1590Cys (NM_001366022.1); c.4642C>T, p.Arg1548Cys (NM_144993.1); c.5047C>T (NM_001287491.1); short protein forms R1548C, R1590C, R1683C.
Identifiers: ClinVar variation 2430278 (VCV002430278.10), dbSNP rs2528201521, ClinGen allele CA347323687.